The following is an entry in ClinVar:

ClinVar aggregate classification (germline): Conflicting classifications of pathogenicity. Review status: criteria provided, conflicting classifications (1 of 4 stars). 3 submissions from 3 submitters: Uncertain significance (1); Likely benign (2). Last evaluated 2026-03-20.

Conditions:
Saldino-Mainzer syndrome (SRTD9). Also called: CONORENAL SYNDROME; SHORT-RIB THORACIC DYSPLASIA 9 WITHOUT POLYDACTYLY; short-rib thoracic dysplasia 9 with or without polydactyly; Renal dysplasia, retinal pigmentary dystrophy, cerebellar ataxia and skeletal dysplasia. Identifiers: Orphanet 140969, MedGen C1849437, MONDO:0009964, OMIM 266920.
IFT140-related disorder. Also called: IFT140-related condition.

Allele frequency attached by ClinVar (database versions not stated): gnomAD exomes 0.00003; gnomAD 0.00009; ExAC 0.00011; TOPMed 0.00013.
gnomAD v4.1: 38 of 1,527,678 alleles (0.0025%); highest among the groups gnomAD compares: African/African-American, 0.038%; no homozygotes.

Submissions (3):

PreventionGenetics, part of Exact Sciences
Classification: Likely benign for IFT140-related condition. Last evaluated: 2026-03-20. Review status: criteria provided, single submitter. Criteria: ACMG Guidelines, 2015. Collection method: clinical testing. Allele origin: germline.
Comment: This variant is classified as likely benign based on ACMG/AMP sequence variant interpretation guidelines (Richards et al. 2015 PMID: 25741868, with internal and published modifications).

Labcorp Genetics (formerly Invitae), Labcorp
Classification: Likely benign for Saldino-Mainzer syndrome. Last evaluated: 2025-02-10. Review status: criteria provided, single submitter. Criteria: Invitae Variant Classification Sherloc (09022015). Collection method: clinical testing. Allele origin: germline.

Blueprint Genetics
Classification: Uncertain significance. Last evaluated: 2021-04-15. Review status: criteria provided, single submitter. Criteria: ACMG Guidelines, 2015. Collection method: clinical testing. Allele origin: germline.

NM_014714.4(IFT140):c.2768+9G>A

Gene: IFT140 (intraflagellar transport 140; minus strand). Cytogenetic location: 16p13.3.
Variant type: single nucleotide variant.
Coding change: c.2768+9G>A on transcript NM_014714.4 (MANE Select); 9 bases into the intron after coding-DNA position 2768, G replaced by A.
Molecular consequence: intron variant.
Genome position (GRCh38, 1-based): chr16:1,525,878, C>T on the plus strand (G>A on the coding strand, the complement: IFT140 is on the minus strand). VCF-style: chr16-1525878-C-T. GRCh37 (hg19) VCF-style: chr16-1575879-C-T.
Other names: c.2768+9G>A (NM_014714.3).
Identifiers: ClinVar variation 1136966 (VCV001136966.11), dbSNP rs780735055, ClinGen allele CA7813501.